The following is an entry in ClinVar:

NM_001379500.1(COL18A1):c.3079T>G (p.Ser1027Ala)

Genes: COL18A1 (collagen type XVIII alpha 1 chain; plus strand), SLC19A1 (solute carrier family 19 member 1; minus strand). Cytogenetic location: 21q22.3.
Variant type: single nucleotide variant.
Coding change: c.3079T>G on transcript NM_001379500.1 (MANE Select); coding-DNA position 3079, T replaced by G.
Protein change: p.Ser1027Ala; replaces serine 1027 with alanine.
Molecular consequence: missense variant.
Genome position (GRCh38, 1-based): chr21:45,505,423, T>G. VCF-style: chr21-45505423-T-G. GRCh37 (hg19) VCF-style: chr21-46925337-T-G.
Other names: c.3610T>G, p.Ser1204Ala (NM_030582.4); c.4315T>G, p.Ser1439Ala (NM_130444.3); short protein forms S1027A, S1439A, S1204A.
Identifiers: ClinVar variation 1359635 (VCV001359635.5), dbSNP rs575230027, ClinGen allele CA10067668.
Genomic context (GRCh38, chr21:45,505,423, plus strand): 5'-AGCGTTCCCGGCCCTCCGGGCCCCCCTGGGCCCCCTGGGCCCCCTGGAACCATGGGCGCC[T>G]CCTCAGGGGTAAGTGTCTGGGCAGCCGGCTGGGCACCTGCGTCCCGTGCCCTGGCTGGTT-3'
Protein context (NP_001366429.1, residues 1017-1037): PPGPPGTMGA[Ser1027Ala]SGVRLWATRQ

ClinVar aggregate classification (germline): Uncertain significance (1 of 4 stars; one submission).

Allele frequency attached by ClinVar (database versions not stated): gnomAD 0.00001; gnomAD exomes 0.00001 and 0.00003; TOPMed 0.00001; ExAC 0.00004; 1000 Genomes Project 0.00020; 1000 Genomes Project 30x 0.00031.
gnomAD v4.1: 14 of 1,544,914 alleles (0.00091%); highest among the groups gnomAD compares: South Asian, 0.0057%; no homozygotes.

Submission:

Labcorp Genetics (formerly Invitae), Labcorp
Classification: Uncertain significance. Last evaluated: 2024-12-02. Review status: criteria provided, single submitter. Criteria: Invitae Variant Classification Sherloc (09022015). Collection method: clinical testing. Allele origin: germline.
Comment: This sequence change replaces serine, which is neutral and polar, with alanine, which is neutral and non-polar, at codon 1024 of the COL18A1 protein (p.Ser1024Ala). This variant is present in population databases (rs575230027, gnomAD 0.007%). This variant has not been reported in the literature in individuals affected with COL18A1-related conditions. ClinVar contains an entry for this variant (Variation ID: 1359635). Experimental studies and prediction algorithms are not available or were not evaluated, and the functional significance of this variant is currently unknown. In summary, the available evidence is currently insufficient to determine the role of this variant in disease. Therefore, it has been classified as a Variant of Uncertain Significance.